The following is an entry in ClinVar:

NM_001873.4(CPE):c.1113+9A>C

Gene: CPE (carboxypeptidase E; plus strand). Cytogenetic location: 4q32.3.
Variant type: single nucleotide variant.
Coding change: c.1113+9A>C on transcript NM_001873.4 (MANE Select); 9 bases into the intron after coding-DNA position 1113, A replaced by C.
Molecular consequence: intron variant.
Genome position (GRCh38, 1-based): chr4:165,487,586, A>C. VCF-style: chr4-165487586-A-C. GRCh37 (hg19) VCF-style: chr4-166408738-A-C.
Identifiers: ClinVar variation 3351681 (VCV003351681.1).

ClinVar aggregate classification (germline): Likely benign (0 of 4 stars; one submission).

Conditions:
CPE-related disorder. Also called: CPE-related condition.

Submission:

PreventionGenetics, part of Exact Sciences
Classification: Likely benign for CPE-related condition. Last evaluated: 2021-12-07. Review status: no assertion criteria provided. Collection method: clinical testing. Allele origin: germline.
Comment: This variant is classified as likely benign based on ACMG/AMP sequence variant interpretation guidelines (Richards et al. 2015 PMID: 25741868, with internal and published modifications).